The following is an entry in ClinVar:

NM_001330700.2(TOP2B):c.913G>A (p.Val305Met)

Gene: TOP2B (DNA topoisomerase II beta; minus strand). Cytogenetic location: 3p24.2.
Variant type: single nucleotide variant.
Coding change: c.913G>A on transcript NM_001330700.2 (MANE Select); coding-DNA position 913, G replaced by A.
Protein change: p.Val305Met; replaces valine 305 with methionine.
Molecular consequence: missense variant.
Genome position (GRCh38, 1-based): chr3:25,633,954, C>T on the plus strand (G>A on the coding strand, the complement: TOP2B is on the minus strand). VCF-style: chr3-25633954-C-T. GRCh37 (hg19) VCF-style: chr3-25675445-C-T.
Other names: c.898G>A, p.Val300Met (NM_001068.3); short protein forms V305M, V300M.
Identifiers: ClinVar variation 4769829 (VCV004769829.1).

ClinVar aggregate classification (germline): Uncertain significance (1 of 4 stars; one submission).

gnomAD v4.1: 16 of 1,612,632 alleles (0.00099%); highest among the groups gnomAD compares: South Asian, 0.0099%; no homozygotes.

Submission:

Labcorp Genetics (formerly Invitae), Labcorp
Classification: Uncertain significance. Last evaluated: 2025-11-05. Review status: criteria provided, single submitter. Criteria: Invitae Variant Classification Sherloc (09022015). Collection method: clinical testing. Allele origin: germline.
Comment: This sequence change replaces valine, which is neutral and non-polar, with methionine, which is neutral and non-polar, at codon 300 of the TOP2B protein (p.Val300Met). This variant is present in population databases (no rsID available, gnomAD 0.002%). This variant has not been reported in the literature in individuals affected with TOP2B-related conditions. An algorithm developed to predict the effect of missense changes on protein structure and function (PolyPhen-2) suggests that this variant is likely to be tolerated. In summary, the available evidence is currently insufficient to determine the role of this variant in disease. Therefore, it has been classified as a Variant of Uncertain Significance.